The following is an entry in ClinVar:

NM_000492.4(CFTR):c.521A>G (p.Lys174Arg)

Gene: CFTR (CF transmembrane conductance regulator; plus strand). Cytogenetic location: 7q31.2.
Variant type: single nucleotide variant.
Coding change: c.521A>G on transcript NM_000492.4 (MANE Select); coding-DNA position 521, A replaced by G.
Protein change: p.Lys174Arg; replaces lysine 174 with arginine.
Molecular consequence: missense variant.
Genome position (GRCh38, 1-based): chr7:117,534,307, A>G. VCF-style: chr7-117534307-A-G. GRCh37 (hg19) VCF-style: chr7-117174361-A-G.
Other names: short protein forms K174R.
Identifiers: ClinVar variation 2567892 (VCV002567892.2), dbSNP rs2485014430, ClinGen allele CA368976433.
Genomic context (GRCh38, chr7:117,534,307, plus strand): 5'-AATTATCTAACTTTCCATTTTTCTTTTAGACTTTAAAGCTGTCAAGCCGTGTTCTAGATA[A>G]AATAAGTATTGGACAACTTGTTAGTCTCCTTTCCAACAACCTGAACAAATTTGATGAAGT-3'
Protein context (NP_000483.3, residues 164-184): TLKLSSRVLD[Lys174Arg]ISIGQLVSLL

ClinVar aggregate classification (germline): Uncertain significance (1 of 4 stars; one submission).

Conditions:
Cystic fibrosis (CF). Also called: MUCOVISCIDOSIS. Identifiers: Orphanet 586, MedGen C0010674, MONDO:0009061, OMIM 219700. Disease mechanism: loss of function.

Allele frequency attached by ClinVar (database versions not stated): gnomAD exomes below 0.00001.

Submission:

Ambry Genetics
Classification: Uncertain significance for Cystic fibrosis. Last evaluated: 2023-05-21. Review status: criteria provided, single submitter. Criteria: Ambry Variant Classification Scheme 2023. Collection method: clinical testing. Allele origin: germline.
Comment: The p.K174R variant (also known as c.521A>G), located in coding exon 5 of the CFTR gene, results from an A to G substitution at nucleotide position 521. The lysine at codon 174 is replaced by arginine, an amino acid with highly similar properties. This amino acid position is conserved. In addition, the in silico prediction for this alteration is inconclusive. Since supporting evidence is limited at this time, the clinical significance of this alteration remains unclear.